The following is an entry in ClinVar:

ClinVar aggregate classification (germline): Uncertain significance (1 of 4 stars; one submission).

gnomAD v4.1: 112 of 1,614,074 alleles (0.0069%); highest among the groups gnomAD compares: Non-Finnish European, 0.0093%; no homozygotes.

Submission:

Greenwood Genetic Center Diagnostic Laboratories, Greenwood Genetic Center
Classification: Uncertain significance. Last evaluated: 2026-06-16. Review status: criteria provided, single submitter. Criteria: ACMG Guidelines, 2015. Collection method: clinical testing. Allele origin: germline.
Comment: PM2, BP4

NM_006885.4(ZFHX3):c.3491C>T (p.Ala1164Val)

Gene: ZFHX3 (zinc finger homeobox 3; minus strand). Cytogenetic location: 16q22.3.
Variant type: single nucleotide variant.
Coding change: c.3491C>T on transcript NM_006885.4 (MANE Select); coding-DNA position 3491, C replaced by T.
Protein change: p.Ala1164Val; replaces alanine 1164 with valine.
Molecular consequence: missense variant.
Genome position (GRCh38, 1-based): chr16:72,829,817, G>A on the plus strand (C>T on the coding strand, the complement: ZFHX3 is on the minus strand). VCF-style: chr16-72829817-G-A. GRCh37 (hg19) VCF-style: chr16-72863716-G-A.
Other names: c.749C>T, p.Ala250Val (NM_001164766.2); c.3491C>T, p.Ala1164Val (NM_001386735.1); short protein forms A1164V, A250V.
Identifiers: ClinVar variation 4891153 (VCV004891153.1).